The following is an entry in ClinVar:

ClinVar aggregate classification (germline): Uncertain significance. Review status: criteria provided, multiple submitters, no conflicts (2 of 4 stars). 2 submissions from 2 submitters: Uncertain significance (2). Last evaluated 2026-07-31.

Conditions:
Hereditary cancer-predisposing syndrome. Also called: Tumor predisposition; Hereditary neoplastic syndrome; Neoplastic Syndromes, Hereditary; Hereditary Cancer Syndrome. Identifiers: Orphanet 140162, MedGen C0027672, MeSH D009386, MONDO:0015356.
Gastrointestinal stromal tumor. Also called: Gastrointestinal stroma tumor; Gastrointestinal stromal tumor, somatic. Identifiers: Orphanet 44890, MedGen C0238198, MeSH D046152, MONDO:0011719, OMIM 606764, HP:0100723.

Submissions (2):

Ambry Genetics
Classification: Uncertain significance for Hereditary cancer-predisposing syndrome. Last evaluated: 2026-07-31. Review status: criteria provided, single submitter. Criteria: Ambry Variant Classification Scheme 2023. Collection method: clinical testing. Allele origin: germline.
Comment: The c.3250delG variant, located in coding exon 22 of the PDGFRA gene, results from a deletion of one nucleotide at nucleotide position 3250, causing a translational frameshift with a predicted alternate stop codon (p.V1084Wfs*41). This alteration occurs at the 3' terminus of thePDGFRA gene, is not expected to trigger nonsense-mediated mRNAdecay and results in the elongation of the protein by 34 amino acids. This frameshift impacts the last 6amino acids of the native protein. The exact functional effect of the altered amino acids is unknown. In addition, loss of function of PDGFRA has not been established as a mechanism of disease. Based on the available evidence, the clinical significance of this variant remains unclear.

Labcorp Genetics (formerly Invitae), Labcorp
Classification: Uncertain significance for Gastrointestinal stromal tumor. Last evaluated: 2025-11-29. Review status: criteria provided, single submitter. Criteria: Invitae Variant Classification Sherloc (09022015). Collection method: clinical testing. Allele origin: germline.
Comment: This sequence change creates a premature translational stop signal (p.Val1084Trpfs*41) in the PDGFRA gene. While this is not anticipated to result in nonsense mediated decay, it is expected to disrupt the last 6 amino acid(s) of the PDGFRA protein. This variant is present in population databases (rs778315483, gnomAD 0.002%). This variant has not been reported in the literature in individuals affected with PDGFRA-related conditions. ClinVar contains an entry for this variant (Variation ID: 857091). Experimental studies and prediction algorithms are not available or were not evaluated, and the functional significance of this variant is currently unknown. In summary, the available evidence is currently insufficient to determine the role of this variant in disease. Therefore, it has been classified as a Variant of Uncertain Significance.

NM_006206.6(PDGFRA):c.3250del (p.Val1084fs)

Gene: PDGFRA (platelet derived growth factor receptor alpha; plus strand). Cytogenetic location: 4q12.
Variant type: Deletion.
Coding change: c.3250del on transcript NM_006206.6 (MANE Select); coding-DNA position 3250, one base deleted (G; older notation c.3250delG).
Protein change: p.Val1084fs; shifts the reading frame from valine 1084.
Molecular consequence: frameshift variant.
Genome position (GRCh38, 1-based): chr4:54,295,252, G deleted; the last of 2 consecutive G bases (chr4:54,295,251-54,295,252); deleting either gives the same sequence. VCF-style (leftmost placement, unchanged base first): chr4-54295250-TG-T. GRCh37 (hg19) VCF-style: chr4-55161417-TG-T.
Other names: c.3250delG (NM_006206.4); c.3325del, p.Val1109fs (NM_001347828.2); c.3250del, p.Val1084fs (NM_001347829.2); c.3289del, p.Val1097fs (NM_001347830.2); short protein forms V1097fs, V1109fs, V1084fs.
Identifiers: ClinVar variation 857091 (VCV000857091.10), dbSNP rs778315483, ClinGen allele CA2923074.
Genomic context (GRCh38, chr4:54,295,250, plus strand): 5'-AGGACGAGACCATTGAAGACATCGACATGATGGATGACATCGGCATAGACTCTTCAGACC[TG>T]GTGGAAGACAGCTTCCTGTAACTGGCGGATTCGAGGGGTTCCTTCCACTTCTGGGGCCAC-3'